The following is an entry in ClinVar:

NM_004064.5(CDKN1B):c.102_105del (p.Pro35fs)

Gene: CDKN1B (cyclin dependent kinase inhibitor 1B; plus strand). Cytogenetic location: 12p13.1.
Variant type: Deletion.
Coding change: c.102_105del on transcript NM_004064.5 (MANE Select); coding-DNA positions 102 to 105, 4 bases deleted (CCCG; older notation c.102_105delCCCG).
Protein change: p.Pro35fs; shifts the reading frame from proline 35.
Molecular consequence: frameshift variant.
Genome position (GRCh38, 1-based): chr12:12,717,941-12,717,944, CCCG deleted; deleting any 4 consecutive bases within chr12:12,717,940-12,717,944 gives the same sequence; the c. name uses the placement nearest the transcript's 3' end. VCF-style (leftmost placement, unchanged base first): chr12-12717939-GGCCC-G. GRCh37 (hg19) VCF-style: chr12-12870873-GGCCC-G.
Other names: short protein forms P35fs.
Identifiers: ClinVar variation 947479 (VCV000947479.7), dbSNP rs1946488462, ClinGen allele CA1139662514.

ClinVar aggregate classification (germline): Pathogenic (1 of 4 stars; one submission).

Conditions:
Multiple endocrine neoplasia type 4. Also called: MULTIPLE ENDOCRINE NEOPLASIA, TYPE IV. Identifiers: Orphanet 276152, MedGen C1970712, MONDO:0012552, OMIM 610755.

Submission:

Labcorp Genetics (formerly Invitae), Labcorp
Classification: Pathogenic for Multiple endocrine neoplasia type 4. Last evaluated: 2019-06-29. Review status: criteria provided, single submitter. Criteria: Invitae Variant Classification Sherloc (09022015). Collection method: clinical testing. Allele origin: germline.
Comment: For these reasons, this variant has been classified as Pathogenic. Loss-of-function variants in CDKN1B are known to be pathogenic (PMID: 17030811, 24819502). This variant has not been reported in the literature in individuals with CDKN1B-related conditions. This variant is not present in population databases (ExAC no frequency). This sequence change creates a premature translational stop signal (p.Pro35Trpfs*6) in the CDKN1B gene. It is expected to result in an absent or disrupted protein product.

Literature cited by the submitters: PubMed 17030811; PubMed 24819502.